The following is an entry in ClinVar:

NM_014770.4(AGAP2):c.157C>A (p.Arg53=)

Genes: AGAP2 (ArfGAP with GTPase domain, ankyrin repeat and PH domain 2; minus strand), LOC130008146 (ATAC-STARR-seq lymphoblastoid active region 6552; plus strand). Cytogenetic location: 12q14.1.
Variant type: single nucleotide variant.
Coding change: c.157C>A on transcript NM_014770.4; coding-DNA position 157, C replaced by A.
Protein change: p.Arg53=; no amino-acid change (arginine 53 retained).
Molecular consequence: synonymous variant.
Genome position (GRCh38, 1-based): chr12:57,741,915, G>T on the plus strand (C>A on the coding strand, the complement: AGAP2 is on the minus strand). VCF-style: chr12-57741915-G-T. GRCh37 (hg19) VCF-style: chr12-58135698-G-T.
Identifiers: ClinVar variation 2643150 (VCV002643150.22), dbSNP rs143760313, ClinGen allele CA6657338.

ClinVar aggregate classification (germline): Likely benign (1 of 4 stars; one submission).

Allele frequency attached by ClinVar (database versions not stated): ESP Exome Variant Server 0.00261.

Submission:

CeGaT Center for Human Genetics Tuebingen
Classification: Likely benign. Last evaluated: 2023-01-01. Review status: criteria provided, single submitter. Criteria: CeGaT Center For Human Genetics Tuebingen Variant Classification Criteria Version 2. Collection method: clinical testing. Allele origin: germline. Affected: yes. Observed: 1 variant allele.
Comment: AGAP2: BP4, BP7